The following is an entry in ClinVar:

ClinVar aggregate classification (germline): Pathogenic (1 of 4 stars; one submission).

Submission:

Labcorp Genetics (formerly Invitae), Labcorp
Classification: Pathogenic. Last evaluated: 2022-08-02. Review status: criteria provided, single submitter. Criteria: Invitae Variant Classification Sherloc (09022015). Collection method: clinical testing. Allele origin: germline.
Comment: For these reasons, this variant has been classified as Pathogenic. This variant has not been reported in the literature in individuals affected with COQ9-related conditions. This variant is not present in population databases (gnomAD no frequency). This sequence change creates a premature translational stop signal (p.Met227Asnfs*11) in the COQ9 gene. It is expected to result in an absent or disrupted protein product. Loss-of-function variants in COQ9 are known to be pathogenic (PMID: 19375058, 26081641).

Literature cited by the submitters: PubMed 19375058; PubMed 26081641.

NM_020312.4(COQ9):c.679dup (p.Met227fs)

Gene: COQ9 (coenzyme Q9; plus strand). Cytogenetic location: 16q21.
Variant type: Duplication.
Coding change: c.679dup on transcript NM_020312.4 (MANE Select); coding-DNA position 679, one base duplicated (A; older notation c.679dupA).
Protein change: p.Met227fs; shifts the reading frame from methionine 227.
Molecular consequence: frameshift variant.
Genome position (GRCh38, 1-based): chr16:57,458,318, A duplicated. VCF-style (leftmost placement, unchanged base first): chr16-57458317-C-CA. GRCh37 (hg19) VCF-style: chr16-57492229-C-CA.
Other names: short protein forms M227fs.
Identifiers: ClinVar variation 2021204 (VCV002021204.4), dbSNP rs2543573817, ClinGen allele CA2580091704.